The following is an entry in ClinVar:

ClinVar aggregate classification (germline): Likely benign (0 of 4 stars; one submission).

Conditions:
CNTN3-related disorder. Also called: CNTN3-related condition.

gnomAD v4.1: 5 of 1,611,282 alleles (0.00031%); highest among the groups gnomAD compares: Non-Finnish European, 0.00042%; no homozygotes.

Submission:

PreventionGenetics, part of Exact Sciences
Classification: Likely benign for CNTN3-related condition. Last evaluated: 2019-02-19. Review status: no assertion criteria provided. Collection method: clinical testing. Allele origin: germline.
Comment: This variant is classified as likely benign based on ACMG/AMP sequence variant interpretation guidelines (Richards et al. 2015 PMID: 25741868, with internal and published modifications).

NM_020872.3(CNTN3):c.855C>T (p.Pro285=)

Gene: CNTN3 (contactin 3; minus strand). Cytogenetic location: 3p12.3.
Variant type: single nucleotide variant.
Coding change: c.855C>T on transcript NM_020872.3 (MANE Select); coding-DNA position 855, C replaced by T.
Protein change: p.Pro285=; no amino-acid change (proline 285 retained).
Molecular consequence: synonymous variant.
Genome position (GRCh38, 1-based): chr3:74,369,280, G>A on the plus strand (C>T on the coding strand, the complement: CNTN3 is on the minus strand). VCF-style: chr3-74369280-G-A. GRCh37 (hg19) VCF-style: chr3-74418431-G-A.
Other names: c.855C>T, p.Pro285= (NM_001393376.1).
Identifiers: ClinVar variation 3057592 (VCV003057592.2), dbSNP rs1025779584, ClinGen allele CA76601733.